The following is an entry in ClinVar:

NM_006979.3(SLC39A7):c.186TGGCCA[1] (p.63GH[1])

Gene: SLC39A7 (solute carrier family 39 member 7; plus strand). Cytogenetic location: 6p21.32.
Variant type: Microsatellite.
Coding change: c.186TGGCCA[1] on transcript NM_006979.3 (MANE Select); one copy of the 6-base unit TGGCCA starting at c.186; the reference has two copies in a row; one copy, 6 bases deleted.
Protein change: p.63GH[1].
Molecular consequence: inframe deletion. On other transcripts: intron variant (1).
Genome position (GRCh38, 1-based): chr6:33,201,437-33,201,442, TGGCCA deleted; deleting any 6 consecutive bases within chr6:33,201,428-33,201,442 gives the same sequence; the position shown is the placement nearest the transcript's 3' end. VCF-style (leftmost placement, unchanged base first): chr6-33201427-CCCATGG-C. GRCh37 (hg19) VCF-style: chr6-33169204-CCCATGG-C.
Other names: c.186TGGCCA[1], p.63GH[1] (NM_001077516.2); c.52+49_52+54del (NM_001288777.2).
Identifiers: ClinVar variation 1439089 (VCV001439089.5), dbSNP rs574696426, ClinGen allele CA3752212.

ClinVar aggregate classification (germline): Uncertain significance (1 of 4 stars; one submission).

Submission:

Labcorp Genetics (formerly Invitae), Labcorp
Classification: Uncertain significance. Last evaluated: 2022-03-26. Review status: criteria provided, single submitter. Criteria: Invitae Variant Classification Sherloc (09022015). Collection method: clinical testing. Allele origin: germline.
Comment: This variant, c.192_197del, results in the deletion of 2 amino acid(s) of the SLC39A7 protein (p.Gly65_His66del), but otherwise preserves the integrity of the reading frame. This variant is present in population databases (rs574696426, gnomAD 0.02%). This variant has not been reported in the literature in individuals affected with SLC39A7-related conditions. Experimental studies and prediction algorithms are not available or were not evaluated, and the functional significance of this variant is currently unknown. In summary, the available evidence is currently insufficient to determine the role of this variant in disease. Therefore, it has been classified as a Variant of Uncertain Significance.